The following is an entry in ClinVar:

NM_000382.3(ALDH3A2):c.925G>A (p.Ala309Thr)

Gene: ALDH3A2 (aldehyde dehydrogenase 3 family member A2; plus strand). Cytogenetic location: 17p11.2.
Variant type: single nucleotide variant.
Coding change: c.925G>A on transcript NM_000382.3 (MANE Select); coding-DNA position 925, G replaced by A.
Protein change: p.Ala309Thr; replaces alanine 309 with threonine.
Molecular consequence: missense variant.
Genome position (GRCh38, 1-based): chr17:19,661,253, G>A. VCF-style: chr17-19661253-G-A. GRCh37 (hg19) VCF-style: chr17-19564566-G-A.
Other names: c.925G>A, p.Ala309Thr (NM_001031806.2, NM_001369136.1, NM_001369137.2 and 3 more transcripts); c.346G>A, p.Ala116Thr (NM_001369148.2); short protein forms A116T, A309T.
Identifiers: ClinVar variation 1904992 (VCV001904992.2), dbSNP rs1294388208, ClinGen allele CA398709376.

ClinVar aggregate classification (germline): Uncertain significance (1 of 4 stars; one submission).

Allele frequency attached by ClinVar (database versions not stated): gnomAD exomes below 0.00001; gnomAD 0.00001; TOPMed 0.00001.
gnomAD v4.1: 4 of 1,614,002 alleles (0.00025%); highest among the groups gnomAD compares: East Asian, 0.0067%; no homozygotes.

Submission:

Labcorp Genetics (formerly Invitae), Labcorp
Classification: Uncertain significance. Last evaluated: 2022-08-22. Review status: criteria provided, single submitter. Criteria: Invitae Variant Classification Sherloc (09022015). Collection method: clinical testing. Allele origin: germline.
Comment: This sequence change replaces alanine, which is neutral and non-polar, with threonine, which is neutral and polar, at codon 309 of the ALDH3A2 protein (p.Ala309Thr). This variant is present in population databases (no rsID available, gnomAD 0.006%). This variant has not been reported in the literature in individuals affected with ALDH3A2-related conditions. Advanced modeling of protein sequence and biophysical properties (such as structural, functional, and spatial information, amino acid conservation, physicochemical variation, residue mobility, and thermodynamic stability) performed at Invitae indicates that this missense variant is not expected to disrupt ALDH3A2 protein function. In summary, the available evidence is currently insufficient to determine the role of this variant in disease. Therefore, it has been classified as a Variant of Uncertain Significance.